The following is an entry in ClinVar:

NM_024664.4(PPCS):c.95C>T (p.Ala32Val)

Genes: CCDC30 (coiled-coil domain containing 30; plus strand), PPCS (phosphopantothenoylcysteine synthetase; plus strand), LOC129930343 (ATAC-STARR-seq lymphoblastoid active region 893; plus strand). Cytogenetic location: 1p34.2.
Variant type: single nucleotide variant.
Coding change: c.95C>T on transcript NM_024664.4 (MANE Select); coding-DNA position 95, C replaced by T.
Protein change: p.Ala32Val; replaces alanine 32 with valine.
Molecular consequence: missense variant. On other transcripts: 5 prime UTR variant (2), intron variant (5).
Genome position (GRCh38, 1-based): chr1:42,456,660, C>T. VCF-style: chr1-42456660-C-T. GRCh37 (hg19) VCF-style: chr1-42922331-C-T.
Other names: c.-76C>T (NM_001287508.2); c.-598C>T (NM_001287510.2); c.95C>T, p.Ala32Val (NM_001287511.2); c.-984+161C>T (NM_001355226.2); c.-328+161C>T (NM_001287507.1); c.-12+161C>T (NM_001287506.1); c.-12+32C>T (NM_001077447.3); c.-12+77C>T (NM_001287509.2); short protein forms A32V.
Identifiers: ClinVar variation 1352139 (VCV001352139.8), dbSNP rs1247284072, ClinGen allele CA339943647.

ClinVar aggregate classification (germline): Uncertain significance (1 of 4 stars; one submission).

Allele frequency attached by ClinVar (database versions not stated): gnomAD exomes below 0.00001; TOPMed below 0.00001.
gnomAD v4.1: 35 of 1,599,850 alleles (0.0022%); highest among the groups gnomAD compares: Non-Finnish European, 0.0026%; no homozygotes.

Submission:

Labcorp Genetics (formerly Invitae), Labcorp
Classification: Uncertain significance. Last evaluated: 2022-03-19. Review status: criteria provided, single submitter. Criteria: Invitae Variant Classification Sherloc (09022015). Collection method: clinical testing. Allele origin: germline.
Comment: This variant is present in population databases (no rsID available, gnomAD 0.001%). This sequence change replaces alanine, which is neutral and non-polar, with valine, which is neutral and non-polar, at codon 32 of the PPCS protein (p.Ala32Val). This variant has not been reported in the literature in individuals affected with PPCS-related conditions. Algorithms developed to predict the effect of missense changes on protein structure and function (SIFT, PolyPhen-2, Align-GVGD) all suggest that this variant is likely to be tolerated. In summary, the available evidence is currently insufficient to determine the role of this variant in disease. Therefore, it has been classified as a Variant of Uncertain Significance.